The following is an entry in ClinVar:

ClinVar aggregate classification (germline): Uncertain significance (1 of 4 stars; one submission).

Submission:

Medical Genetic Center, Changzhi Maternal and Child Health Care Hospital
Classification: Uncertain significance. Last evaluated: 2025-12-10. Review status: criteria provided, single submitter. Criteria: ACMG/ClinGen CNV Guidelines, 2019. Collection method: clinical testing. Allele origin: unknown.

GRCh38/hg38 2q13(chr2:109740565-110225840)x1

Genes: LIMS3 (LIM zinc finger domain containing 3; plus strand), LIMS3-LOC440895 (LIMS3-LOC440895 readthrough; plus strand), LINC01123 (long intergenic non-protein coding RNA 1123; plus strand), MALL (mal, T cell differentiation protein like; minus strand), MIR4267 (microRNA 4267; minus strand) and 10 more. Cytogenetic location: 2q13.
Variant type: copy number loss.
Change: copy number 1 (one copy instead of two) of chr2:109,740,565-110,225,840 (485.3 kb, GRCh38 coordinates, 1-based), cytogenetic band 2q13.
Identifiers: ClinVar variation 4796201 (VCV004796201.1).